The following is an entry in ClinVar:

ClinVar aggregate classification (germline): Uncertain significance (1 of 4 stars; one submission).

Submission:

GeneDx
Classification: Uncertain significance. Last evaluated: 2022-05-04. Review status: criteria provided, single submitter. Criteria: GeneDx Variant Classification Process June 2021. Collection method: clinical testing. Allele origin: germline. Affected: yes.
Comment: Not observed at significant frequency in large population cohorts (gnomAD); In silico analysis supports that this missense variant does not alter protein structure/function; Has not been previously published as pathogenic or benign to our knowledge

NM_001369268.1(ACAN):c.5722T>C (p.Ser1908Pro)

Gene: ACAN (aggrecan; plus strand). Cytogenetic location: 15q26.1.
Variant type: single nucleotide variant.
Coding change: c.5722T>C on transcript NM_001369268.1 (MANE Select); coding-DNA position 5722, T replaced by C.
Protein change: p.Ser1908Pro; replaces serine 1908 with proline.
Molecular consequence: missense variant.
Genome position (GRCh38, 1-based): chr15:88,858,307, T>C. VCF-style: chr15-88858307-T-C. GRCh37 (hg19) VCF-style: chr15-89401538-T-C.
Other names: c.5722T>C, p.Ser1908Pro (NM_001135.4, NM_001411096.1, NM_001411097.1 and 1 more transcripts); short protein forms S1908P.
Identifiers: ClinVar variation 1722773 (VCV001722773.2), dbSNP rs2505327559, ClinGen allele CA393725432.
Genomic context (GRCh38, chr15:88,858,307, plus strand): 5'-ACATCCCAGACTCCGGAATTCAGTGGCCTACCAAGTGGCATAGCTGAGGTCAGTGGAGAA[T>C]CCTCCAGAGCTGAGATTGGGAGCAGCCTGCCCTCGGGAGCATATTATGGCAGTGGAACTC-3'
Protein context (NP_001356197.1, residues 1898-1918): PSGIAEVSGE[Ser1908Pro]SRAEIGSSLP